The following is an entry in ClinVar:

ClinVar aggregate classification (germline): Uncertain significance. Review status: criteria provided, multiple submitters, no conflicts (2 of 4 stars). 7 submissions from 7 submitters: Uncertain significance (6). 1 of the submissions does not count toward it. Last evaluated 2026-01-22.

Conditions:
Autosomal dominant Alport syndrome (ATS3A). Also called: ALPORT SYNDROME 3A, AUTOSOMAL DOMINANT; Alport syndrome dominant type; Renal failure and sensorineural hearing loss. Identifiers: Orphanet 63, Orphanet 88918, MedGen C5882663, MONDO:0007086, OMIM 104200.
Autosomal recessive Alport syndrome (ATS2). Also called: COL4A3-Related Nephropathy; Alport syndrome type 2; ALPORT SYNDROME 2, AUTOSOMAL RECESSIVE; COL4A4 Alport Syndrome and Thin Basement Membrane Nephropathy. Identifiers: Orphanet 63, Orphanet 88919, MedGen C4746745, MONDO:0008762, OMIM 203780.
Benign familial hematuria. Also called: thin basement membrane disease. Identifiers: MedGen C0241908, MONDO:0957317.
COL4A4-related disorder.

Allele frequency attached by ClinVar (database versions not stated): gnomAD exomes 0.00002 and 0.00001; gnomAD 0.00004; ExAC 0.00002; TOPMed 0.00003.
gnomAD v4.1: 18 of 1,614,016 alleles (0.0011%); highest among the groups gnomAD compares: Non-Finnish European, 0.0014%; no homozygotes.

Submissions (7):

PreventionGenetics, part of Exact Sciences
Classification: Uncertain significance for COL4A4-related condition. Last evaluated: 2026-01-22. Review status: criteria provided, single submitter. Criteria: ACMG Guidelines, 2015. Collection method: clinical testing. Allele origin: germline.
Comment: The COL4A4 c.4417C>A variant is predicted to result in the amino acid substitution p.Gln1473Lys. This variant has been reported in the presumably heterozygous state an individual with Alport Syndrome (Table S7, Krüger et al. 2025. PubMed ID: 40485705). The p.Gln1473 residue is highly conserved. The REVEL (rare exome variant ensemble learner) program predicts this variant is pathogenic at a "moderate" level (Ioannidis et al. 2016. PubMed ID: 27666373; Bergquist et al. 2024. PubMed ID: 39345488). Of note, this variant is also predicted to create a cryptic splice donor site (donor gain) based on available splicing prediction programs (Alamut Visual Plus v1.6.1; SpliceAI, Jaganathan et al. 2019. PubMed ID: 30661751). However, the use of computer prediction programs is not equivalent to functional evidence. This variant is reported in 0.0070% of alleles in individuals of European (non-Finnish) descent in gnomAD. Although we suspect that this variant is pathogenic, at this time, the clinical significance of this variant is uncertain due to the absence of conclusive functional and genetic evidence.

GeneDx
Classification: Uncertain significance. Last evaluated: 2025-07-30. Review status: criteria provided, single submitter. Criteria: GeneDx Variant Classification Process June 2021. Collection method: clinical testing. Allele origin: germline. Affected: yes.
Comment: In silico analysis supports that this missense variant has a deleterious effect on protein structure/function; In silico analysis suggests this variant may impact gene splicing. In the absence of RNA/functional studies, the actual effect of this sequence change is unknown.; Has not been previously published as pathogenic or benign to our knowledge

MVZ Medizinische Genetik Mainz
Classification: Uncertain significance for Autosomal recessive Alport syndrome. Last evaluated: 2024-09-16. Review status: criteria provided, single submitter. Criteria: UK Practice Guidelines For Variant Classification V4 01 2020. Collection method: clinical testing. Allele origin: germline. Inheritance: Autosomal dominant inheritance. Affected: yes. Observed: 1 variant allele.
Comment: ACMG Criteria: PP3_MOD,PM2_SUP,PP4

Blueprint Genetics
Classification: Uncertain significance. Last evaluated: 2024-03-11. Review status: criteria provided, single submitter. Criteria: ACMG Guidelines, 2015. Collection method: clinical testing. Allele origin: germline.

Labcorp Genetics (formerly Invitae), Labcorp
Classification: Uncertain significance. Last evaluated: 2022-04-04. Review status: criteria provided, single submitter. Criteria: Invitae Variant Classification Sherloc (09022015). Collection method: clinical testing. Allele origin: germline.
Comment: This sequence change replaces glutamine, which is neutral and polar, with lysine, which is basic and polar, at codon 1473 of the COL4A4 protein (p.Gln1473Lys). This variant is present in population databases (rs766771700, gnomAD 0.007%). This variant has not been reported in the literature in individuals affected with COL4A4-related conditions. ClinVar contains an entry for this variant (Variation ID: 522536). Advanced modeling of protein sequence and biophysical properties (such as structural, functional, and spatial information, amino acid conservation, physicochemical variation, residue mobility, and thermodynamic stability) performed at Invitae indicates that this missense variant is expected to disrupt COL4A4 protein function. Algorithms developed to predict the effect of sequence changes on RNA splicing suggest that this variant may create or strengthen a splice site. In summary, the available evidence is currently insufficient to determine the role of this variant in disease. Therefore, it has been classified as a Variant of Uncertain Significance.

Fulgent Genetics
Classification: Uncertain significance for Hematuria, benign familial, 1; Autosomal recessive Alport syndrome. Last evaluated: 2021-08-12. Review status: criteria provided, single submitter. Criteria: ACMG Guidelines, 2015. Collection method: clinical testing. Allele origin: unknown.

Bioscientia Institut fuer Medizinische Diagnostik GmbH, Sonic Healthcare
Classification: Uncertain significance for Autosomal dominant Alport syndrome. Last evaluated: 2017-11-23. Review status: no assertion criteria provided. Collection method: clinical testing. Allele origin: germline. Affected: yes. Not counted in ClinVar's aggregate classification.

NM_000092.5(COL4A4):c.4417C>A (p.Gln1473Lys)

Gene: COL4A4 (collagen type IV alpha 4 chain; minus strand). Cytogenetic location: 2q36.3.
Variant type: single nucleotide variant.
Coding change: c.4417C>A on transcript NM_000092.5 (MANE Select); coding-DNA position 4417, C replaced by A.
Protein change: p.Gln1473Lys; replaces glutamine 1473 with lysine.
Molecular consequence: missense variant.
Genome position (GRCh38, 1-based): chr2:227,010,418, G>T on the plus strand (C>A on the coding strand, the complement: COL4A4 is on the minus strand). VCF-style: chr2-227010418-G-T. GRCh37 (hg19) VCF-style: chr2-227875134-G-T.
Other names: short protein forms Q1473K.
Identifiers: ClinVar variation 522536 (VCV000522536.9), dbSNP rs766771700, ClinGen allele CA2144175.